The following is an entry in ClinVar:

ClinVar aggregate classification (germline): Uncertain significance (1 of 4 stars; one submission).

Conditions:
SCAPER-related disorder. Also called: SCAPER-related condition.

gnomAD v4.1: 4 of 1,608,222 alleles (0.00025%); highest among the groups gnomAD compares: Non-Finnish European, 0.00034%; no homozygotes.

Submission:

PreventionGenetics, part of Exact Sciences
Classification: Uncertain significance for SCAPER-related condition. Last evaluated: 2025-07-26. Review status: criteria provided, single submitter. Criteria: ACMG Guidelines, 2015. Collection method: clinical testing. Allele origin: germline.
Comment: The SCAPER c.656G>T variant is predicted to result in the amino acid substitution p.Gly219Val. To our knowledge, this variant has not been reported in the literature or in a large population database (gnomAD), indicating this variant is rare. At this time, the clinical significance of this variant is uncertain due to the absence of conclusive functional and genetic evidence.

NM_020843.4(SCAPER):c.656G>T (p.Gly219Val)

Gene: SCAPER (S-phase cyclin A associated protein in the ER; minus strand). Cytogenetic location: 15q24.3.
Variant type: single nucleotide variant.
Coding change: c.656G>T on transcript NM_020843.4 (MANE Select); coding-DNA position 656, G replaced by T.
Protein change: p.Gly219Val; replaces glycine 219 with valine.
Molecular consequence: missense variant. On other transcripts: 5 prime UTR variant (1), non-coding transcript variant (1).
Genome position (GRCh38, 1-based): chr15:76,795,396, C>A on the plus strand (G>T on the coding strand, the complement: SCAPER is on the minus strand). VCF-style: chr15-76795396-C-A. GRCh37 (hg19) VCF-style: chr15-77087737-C-A.
Other names: c.-242G>T (NM_001145923.2); c.656G>T, p.Gly219Val (NM_001353009.2); c.254G>T, p.Gly85Val (NM_001353010.2, NM_001353011.2, NM_001353012.2); short protein forms G219V, G85V.
Identifiers: ClinVar variation 4985707 (VCV004985707.1).